The following is an entry in ClinVar:

ClinVar aggregate classification (germline): Pathogenic (1 of 4 stars; one submission).

Conditions:
Disease. Also called: Disease or disorder. Identifiers: Orphanet 377788, MedGen C0012634, MeSH D004194, MONDO:0000001.

Submission:

Keimyung University Dongsan Hospital, Keimyung University School of Medicine
Classification: Pathogenic for Disease. Last evaluated: 2026-03-28. Review status: criteria provided, single submitter. Criteria: ACMG/ClinGen CNV Guidelines, 2019. Collection method: clinical testing. Allele origin: germline. Inheritance: Autosomal dominant inheritance. Affected: yes. Observed: 1 variant allele, 1 heterozygote.
Comment: This copy number gain involves a ~6 Mb duplication at 2p25.3–p24.2, encompassing multiple genes including MYT1L, a gene with established dosage sensitivity associated with neurodevelopmental disorders. Similar duplications in this region have been reported in association with developmental delay and neurobehavioral phenotypes. Based on its size, gene content, and established clinical associations, this variant is classified as pathogenic.

Literature cited by the submitters: DOI 10.26815/acn.2025.01200.

GRCh37/hg19 2p24.3-24.2(chr2:12770188-18905174)x3

Genes: VSNL1 (visinin like 1; plus strand), DDX1 (DEAD-box helicase 1; plus strand), CYRIA (CYFIP related Rac1 interactor A; minus strand), MYCNOS (MYCN opposite strand; minus strand), TRIB2 (tribbles pseudokinase 2; plus strand) and 11 more. Cytogenetic location: 2p24.3-24.2.
Variant type: copy number gain.
Change: copy number 3 (three copies instead of two) of chr2:12,770,188-18,905,174 (6.13 Mb, GRCh37 coordinates, 1-based), cytogenetic band 2p24.3-24.2.
Identifiers: ClinVar variation 4820251 (VCV004820251.1).